The following is an entry in ClinVar:

ClinVar aggregate classification (germline): Likely benign (1 of 4 stars; one submission).

Submission:

Mayo Clinic Laboratories, Mayo Clinic
Classification: Likely benign. Last evaluated: 2025-09-04. Review status: criteria provided, single submitter. Criteria: ACMG Guidelines, 2015. Collection method: clinical testing. Allele origin: germline. Observed: 50 variant alleles.
Comment: BP4, BP7

NM_002887.4(RARS1):c.1873+31_1873+33del

Gene: RARS1 (arginyl-tRNA synthetase 1; plus strand). Cytogenetic location: 5q34.
Variant type: Deletion.
Coding change: c.1873+31_1873+33del on transcript NM_002887.4 (MANE Select); bases 31 to 33 of the intron after coding-DNA position 1873, 3 bases deleted (TTT; older notation c.1873+31_1873+33delTTT).
Molecular consequence: intron variant.
Genome position (GRCh38, 1-based): chr5:168,518,093-168,518,095, TTT deleted; deleting any 3 consecutive bases within chr5:168,518,072-168,518,095 gives the same sequence; the c. name uses the placement nearest the transcript's 3' end. VCF-style (leftmost placement, unchanged base first): chr5-168518071-CTTT-C. GRCh37 (hg19) VCF-style: chr5-167945076-CTTT-C.
Other names: p.?.
Identifiers: ClinVar variation 4684884 (VCV004684884.1).